The following is an entry in ClinVar:

ClinVar aggregate classification (germline): Conflicting classifications of pathogenicity. Review status: criteria provided, conflicting classifications (1 of 4 stars). 4 submissions from 4 submitters: Uncertain significance (3); Likely benign (1). Last evaluated 2025-03-21.

Conditions:
Hypogonadotropic hypogonadism 5 with or without anosmia (KAL5). Also called: HYPOGONADOTROPIC HYPOGONADISM 5 WITH ANOSMIA; HYPOGONADOTROPHIC HYPOGONADISM 5 WITHOUT ANOSMIA; CHD7-Related GnRH Deficiency (Kallmann Syndrome 5). Identifiers: Orphanet 478, MedGen C3552553, MONDO:0012880, OMIM 612370. Disease mechanism: loss of function.
CHARGE syndrome (CHARGE). Also called: Coloboma, heart anomaly, choanal atresia, retardation, genital and ear anomalies; CHARGE association; Hall-Hittner syndrome; Hittner Hirsch Kreh syndrome; CHARGE ASSOCIATION--COLOBOMA, HEART ANOMALY, CHOANAL ATRESIA, RETARDATION, GENITAL AND EAR ANOMALIES. Identifiers: Orphanet 138, MedGen C0265354, MONDO:0008965.

Allele frequency attached by ClinVar (database versions not stated): gnomAD exomes below 0.00001; TOPMed below 0.00001.
gnomAD v4.1: 3 of 1,613,908 alleles (0.00019%); highest among the groups gnomAD compares: South Asian, 0.0011%; no homozygotes.

Submissions (4):

GeneDx
Classification: Uncertain significance. Last evaluated: 2025-03-21. Review status: criteria provided, single submitter. Criteria: GeneDx Variant Classification Process June 2021. Collection method: clinical testing. Allele origin: germline. Affected: yes.
Comment: Not observed at significant frequency in large population cohorts (gnomAD); In silico analysis indicates that this missense variant does not alter protein structure/function; Has not been previously published as pathogenic or benign to our knowledge

Labcorp Genetics (formerly Invitae), Labcorp
Classification: Uncertain significance for CHARGE syndrome. Last evaluated: 2022-07-01. Review status: criteria provided, single submitter. Criteria: Invitae Variant Classification Sherloc (09022015). Collection method: clinical testing. Allele origin: germline.
Comment: This variant is not present in population databases (gnomAD no frequency). In summary, the available evidence is currently insufficient to determine the role of this variant in disease. Therefore, it has been classified as a Variant of Uncertain Significance. Advanced modeling of protein sequence and biophysical properties (such as structural, functional, and spatial information, amino acid conservation, physicochemical variation, residue mobility, and thermodynamic stability) performed at Invitae indicates that this missense variant is not expected to disrupt CHD7 protein function. ClinVar contains an entry for this variant (Variation ID: 1494697). This variant has not been reported in the literature in individuals affected with CHD7-related conditions. This sequence change replaces asparagine, which is neutral and polar, with serine, which is neutral and polar, at codon 224 of the CHD7 protein (p.Asn224Ser).

Fulgent Genetics
Classification: Uncertain significance for CHD7-related CHARGE syndrome; Hypogonadotropic hypogonadism 5 with or without anosmia. Last evaluated: 2021-12-27. Review status: criteria provided, single submitter. Criteria: ACMG Guidelines, 2015. Collection method: clinical testing. Allele origin: unknown.

Blueprint Genetics
Classification: Likely benign. Last evaluated: 2020-05-25. Review status: criteria provided, single submitter. Criteria: ACMG Guidelines, 2015. Collection method: clinical testing. Allele origin: germline.

NM_017780.4(CHD7):c.671A>G (p.Asn224Ser)

Gene: CHD7 (chromodomain helicase DNA binding protein 7; plus strand). Cytogenetic location: 8q12.2.
Variant type: single nucleotide variant.
Coding change: c.671A>G on transcript NM_017780.4 (MANE Select); coding-DNA position 671, A replaced by G.
Protein change: p.Asn224Ser; replaces asparagine 224 with serine.
Molecular consequence: missense variant.
Genome position (GRCh38, 1-based): chr8:60,742,103, A>G. VCF-style: chr8-60742103-A-G. GRCh37 (hg19) VCF-style: chr8-61654662-A-G.
Other names: c.671A>G, p.Asn224Ser (NM_001316690.1); c.671A>G (NM_017780.2); short protein forms N224S.
Identifiers: ClinVar variation 1494697 (VCV001494697.9), dbSNP rs1809061303, ClinGen allele CA371298753.